The following is an entry in ClinVar:

ClinVar aggregate classification (germline): Uncertain significance (1 of 4 stars; one submission).

Submission:

GeneDx
Classification: Uncertain significance. Last evaluated: 2025-01-19. Review status: criteria provided, single submitter. Criteria: GeneDx Variant Classification Process June 2021. Collection method: clinical testing. Allele origin: germline. Affected: yes.
Comment: Not observed at significant frequency in large population cohorts (gnomAD); In silico analysis indicates that this missense variant does not alter protein structure/function; Has not been previously published as pathogenic or benign to our knowledge

NM_020988.3(GNAO1):c.580A>G (p.Asn194Asp)

Gene: GNAO1 (G protein subunit alpha o1; plus strand). Cytogenetic location: 16q13.
Variant type: single nucleotide variant.
Coding change: c.580A>G on transcript NM_020988.3 (MANE Select); coding-DNA position 580, A replaced by G.
Protein change: p.Asn194Asp; replaces asparagine 194 with aspartic acid.
Molecular consequence: missense variant.
Genome position (GRCh38, 1-based): chr16:56,334,844, A>G. VCF-style: chr16-56334844-A-G. GRCh37 (hg19) VCF-style: chr16-56368756-A-G.
Other names: c.580A>G, p.Asn194Asp (NM_138736.3); short protein forms N194D.
Identifiers: ClinVar variation 4071721 (VCV004071721.1).